The following is an entry in ClinVar:

NM_000395.3(CSF2RB):c.1A>T (p.Met1Leu)

Gene: CSF2RB (colony stimulating factor 2 receptor subunit beta; plus strand). Cytogenetic location: 22q12.3.
Variant type: single nucleotide variant.
Coding change: c.1A>T on transcript NM_000395.3 (MANE Select); coding-DNA position 1, A replaced by T.
Protein change: p.Met1Leu; changes the start codon (methionine 1).
Molecular consequence: missense variant, initiator codon variant.
Genome position (GRCh38, 1-based): chr22:36,922,208, A>T. VCF-style: chr22-36922208-A-T. GRCh37 (hg19) VCF-style: chr22-37318250-A-T.
Other names: short protein forms M1L.
Identifiers: ClinVar variation 1427365 (VCV001427365.8), dbSNP rs2145780890, ClinGen allele CA411401066.

ClinVar aggregate classification (germline): Uncertain significance (1 of 4 stars; one submission).

Submission:

Labcorp Genetics (formerly Invitae), Labcorp
Classification: Uncertain significance. Last evaluated: 2024-04-24. Review status: criteria provided, single submitter. Criteria: Invitae Variant Classification Sherloc (09022015). Collection method: clinical testing. Allele origin: germline.
Comment: This sequence change affects the initiator methionine of the CSF2RB mRNA. The next in-frame methionine is located at codon 10. This variant is not present in population databases (gnomAD no frequency). This variant has not been reported in the literature in individuals affected with CSF2RB-related conditions. ClinVar contains an entry for this variant (Variation ID: 1427365). Experimental studies and prediction algorithms are not available or were not evaluated, and the functional significance of this variant is currently unknown. In summary, the available evidence is currently insufficient to determine the role of this variant in disease. Therefore, it has been classified as a Variant of Uncertain Significance.